The following is an entry in ClinVar:

ClinVar aggregate classification (germline): Conflicting classifications of pathogenicity. Review status: criteria provided, conflicting classifications (1 of 4 stars). 7 submissions from 7 submitters: Likely pathogenic (1); Uncertain significance (3). 3 of the submissions do not count toward it. Last evaluated 2025-12-01.

Conditions:
Pulmonary fibrosis and/or bone marrow failure, Telomere-related, 3. Also called: PULMONARY FIBROSIS AND/OR BONE MARROW FAILURE SYNDROME, TELOMERE-RELATED, 3. Identifiers: Orphanet 2032, MedGen C4225346, MONDO:0014613, OMIM 616373.
Dyskeratosis congenita, autosomal recessive 5 (DKCB5). Identifiers: MedGen C3554656, MONDO:0014076, OMIM 615190.
Inborn genetic diseases. Identifiers: MedGen C0950123, MeSH D030342.

Allele frequency attached by ClinVar (database versions not stated): TOPMed below 0.00001; ExAC 0.00002; gnomAD exomes 0.00002.
gnomAD v4.1: 25 of 1,612,386 alleles (0.0016%); highest among the groups gnomAD compares: East Asian, 0.0022%; no homozygotes.

Submissions (7):

Labcorp Genetics (formerly Invitae), Labcorp
Classification: Uncertain significance for Dyskeratosis congenita, autosomal recessive 5; Pulmonary fibrosis and/or bone marrow failure, Telomere-related, 3. Last evaluated: 2025-12-01. Review status: criteria provided, single submitter. Criteria: Invitae Variant Classification Sherloc (09022015). Collection method: clinical testing. Allele origin: germline.
Comment: This sequence change replaces cysteine, which is neutral and slightly polar, with arginine, which is basic and polar, at codon 1244 of the RTEL1 protein (p.Cys1244Arg). This variant is present in population databases (rs587777037, gnomAD 0.006%). This missense change has been observed in individual(s) with RTEL1-related conditions (PMID: 23591994, 40199602). It has also been observed to segregate with disease in related individuals. This variant is also known as c.3724+78T>C (Intronic). ClinVar contains an entry for this variant (Variation ID: 65412). An algorithm developed to predict the effect of missense changes on protein structure and function (PolyPhen-2) suggests that this variant is likely to be disruptive. In summary, the available evidence is currently insufficient to determine the role of this variant in disease. Therefore, it has been classified as a Variant of Uncertain Significance.

Ambry Genetics
Classification: Uncertain significance for Inborn genetic diseases. Last evaluated: 2023-05-22. Review status: criteria provided, single submitter. Criteria: Ambry Variant Classification Scheme 2023. Collection method: clinical testing. Allele origin: germline.
Comment: The c.3724+78T>C intronic alteration results from a T to C substitution 78 nucleotides after coding exon 33 of the RTEL1 gene._x000D_ _x000D_ _x000D_ _x000D_ The c.3730T>C (p.C1244R) alteration is located in exon 34 (coding exon 33) of the RTEL1 gene. This alteration results from a T to C substitution at nucleotide position 3730, causing the cysteine (C) at amino acid position 1244 to be replaced by an arginine (R). Based on data from gnomAD, the C allele has an overall frequency of 0.002% (5/247318) total alleles studied. The highest observed frequency was 0.005% (1/18282) of East Asian alleles. This variant was detected in two affected siblings with shortened telomere length and abnormal telomere function. Both of these siblings were compound heterozygous carriers of this variant as well as RTEL1 c.2097C>G (p.I699M) (Le Guen, 2013). This nucleotide position is highly conserved in available vertebrate species._x000D_ _x000D_ Leave out nucleotide conservation sentence and table? The in silico prediction for this alteration is inconclusive. Based on insufficient or conflicting evidence, the clinical significance of this alteration remains unclear.

GeneDx
Classification: Likely pathogenic. Last evaluated: 2023-05-04. Review status: criteria provided, single submitter. Criteria: GeneDx Variant Classification Process June 2021. Collection method: clinical testing. Allele origin: germline. Affected: yes.
Comment: In silico analysis supports that this missense variant has a deleterious effect on protein structure/function; Not observed at significant frequency in large population cohorts (gnomAD); Reported using an alternate transcript of the gene; Also known as c.3724+78T>C; This variant is associated with the following publications: (PMID: 23591994, 31130284, 30995915, 33718801)

Blueprint Genetics
Classification: Uncertain significance. Last evaluated: 2021-06-18. Review status: criteria provided, single submitter. Criteria: ACMG Guidelines, 2015. Collection method: clinical testing. Allele origin: germline.

Genetic Services Laboratory, University of Chicago
Classification: Uncertain significance. Last evaluated: 2017-09-01. Review status: no assertion criteria provided. Collection method: clinical testing. Allele origin: germline. Affected: yes. Not counted in ClinVar's aggregate classification.
Comment: DNA sequence analysis of the RTEL1 gene demonstrated a sequence change, c.3730T>C, in exon 34 that results in an amino acid change, p.Cys1244Arg. The p.Cys1244Arg change affects a moderately conserved amino acid residue located in a domain of the RTEL1 protein that is known to be functional. The p.Cys1244Arg substitution appears to be deleterious using several in-silico pathogenicity prediction tools (SIFT, PolyPhen2, REVEL). This variant is present in 5 individuals in gnomAD (0.002% frequency in the global population). This sequence change has been described in the compound heterozygous state with another variant in two siblings with Hoyeraal-Hreidarsson syndrome and not present in their unaffected sibling (Le Guen et al. 2013). Additionally, analysis of these patient's primary fibroblasts demonstrated shorter telomeres and genome instability (Le Guen et al. 2013).

Counsyl
Classification: Uncertain significance for Dyskeratosis congenita, autosomal recessive 5. Last evaluated: 2017-04-28. Review status: no assertion criteria provided. Collection method: clinical testing. Allele origin: unknown. Not counted in ClinVar's aggregate classification.

OMIM
Classification: Pathogenic for DYSKERATOSIS CONGENITA, AUTOSOMAL RECESSIVE 5. Last evaluated: 2013-08-15. Review status: no assertion criteria provided. Collection method: literature only. Allele origin: germline. Not counted in ClinVar's aggregate classification.

Literature cited by the submitters: PubMed 23591994 (cited by 4 submitters); PubMed 40199602 (cited by Labcorp Genetics (formerly Invitae), Labcorp); PubMed 30088779 (cited by Ambry Genetics).

NM_001283009.2(RTEL1):c.3730T>C (p.Cys1244Arg)

Genes: RTEL1 (regulator of telomere elongation helicase 1; plus strand), RTEL1-TNFRSF6B (RTEL1-TNFRSF6B readthrough (NMD candidate); plus strand). Cytogenetic location: 20q13.33.
Variant type: single nucleotide variant.
Coding change: c.3730T>C on transcript NM_001283009.2 (MANE Select); coding-DNA position 3730, T replaced by C.
Protein change: p.Cys1244Arg; replaces cysteine 1244 with arginine.
Molecular consequence: missense variant. On other transcripts: intron variant (3), non-coding transcript variant (1).
Genome position (GRCh38, 1-based): chr20:63,695,558, T>C. VCF-style: chr20-63695558-T-C. GRCh37 (hg19) VCF-style: chr20-62326911-T-C.
Other names: c.3724+78T>C (NM_032957.5); c.2983+78T>C (NM_001283010.1); c.3652+78T>C (NM_016434.4); short protein forms C1244R.
Identifiers: ClinVar variation 65412 (VCV000065412.16), dbSNP rs587777037, ClinGen allele CA144777.